The following is an entry in ClinVar:

ClinVar aggregate classification (germline): Uncertain significance. Review status: criteria provided, multiple submitters, no conflicts (2 of 4 stars). 4 submissions from 3 submitters: Uncertain significance (4). Last evaluated 2025-08-20.

Conditions:
Weill-Marchesani syndrome. Also called: WM Syndrome; Mesodermal dysmorphodystrophy congenital. Identifiers: Orphanet 3449, MedGen C0265313, MONDO:0018096.
Glaucoma 3, primary congenital, D. Identifiers: Orphanet 98976, MedGen C2751316, MONDO:0013122, OMIM 613086.
Inborn genetic diseases. Identifiers: MedGen C0950123, MeSH D030342.

Allele frequency attached by ClinVar (database versions not stated): gnomAD 0.00001; TOPMed 0.00001; ExAC 0.00005; gnomAD exomes 0.00006.
gnomAD v4.1: 30 of 1,614,068 alleles (0.0019%); highest among the groups gnomAD compares: South Asian, 0.03%; 1 homozygote.

Submissions (4):

Ambry Genetics
Classification: Uncertain significance for Inborn genetic diseases. Last evaluated: 2025-08-20. Review status: criteria provided, single submitter. Criteria: Ambry Variant Classification Scheme 2023. Collection method: clinical testing. Allele origin: germline.

Labcorp Genetics (formerly Invitae), Labcorp
Classification: Uncertain significance. Last evaluated: 2021-03-24. Review status: criteria provided, single submitter. Criteria: Invitae Variant Classification Sherloc (09022015). Collection method: clinical testing. Allele origin: germline.
Comment: In summary, the available evidence is currently insufficient to determine the role of this variant in disease. Therefore, it has been classified as a Variant of Uncertain Significance. Algorithms developed to predict the effect of missense changes on protein structure and function (SIFT, PolyPhen-2, Align-GVGD) all suggest that this variant is likely to be disruptive, but these predictions have not been confirmed by published functional studies and their clinical significance is uncertain. This variant has not been reported in the literature in individuals with LTBP2-related conditions. ClinVar contains an entry for this variant (Variation ID: 884478). This variant is present in population databases (rs776552082, ExAC 0.03%). This sequence change replaces cysteine with arginine at codon 1804 of the LTBP2 protein (p.Cys1804Arg). The cysteine residue is highly conserved and there is a large physicochemical difference between cysteine and arginine.

Illumina Laboratory Services, Illumina
Classification: Uncertain significance for Weill-Marchesani syndrome. Last evaluated: 2018-01-13. Review status: criteria provided, single submitter. Criteria: ICSL Variant Classification Criteria 13 December 2019. Collection method: clinical testing. Allele origin: germline.

Illumina Laboratory Services, Illumina
Classification: Uncertain significance for Glaucoma 3, primary congenital, D. Last evaluated: 2018-01-13. Review status: criteria provided, single submitter. Criteria: ICSL Variant Classification Criteria 13 December 2019. Collection method: clinical testing. Allele origin: germline.

NM_000428.3(LTBP2):c.5410T>C (p.Cys1804Arg)

Gene: LTBP2 (latent transforming growth factor beta binding protein 2; minus strand). Cytogenetic location: 14q24.3.
Variant type: single nucleotide variant.
Coding change: c.5410T>C on transcript NM_000428.3 (MANE Select); coding-DNA position 5410, T replaced by C.
Protein change: p.Cys1804Arg; replaces cysteine 1804 with arginine.
Molecular consequence: missense variant.
Genome position (GRCh38, 1-based): chr14:74,500,940, A>G on the plus strand (T>C on the coding strand, the complement: LTBP2 is on the minus strand). VCF-style: chr14-74500940-A-G. GRCh37 (hg19) VCF-style: chr14-74967643-A-G.
Other names: short protein forms C1804R.
Identifiers: ClinVar variation 884478 (VCV000884478.10), dbSNP rs776552082, ClinGen allele CA7268409.